The following is an entry in ClinVar:

NM_014384.3(ACAD8):c.567+1G>A

Gene: ACAD8 (acyl-CoA dehydrogenase family member 8; plus strand). Cytogenetic location: 11q25.
Variant type: single nucleotide variant.
Coding change: c.567+1G>A on transcript NM_014384.3 (MANE Select); the canonical splice donor site of the intron after coding-DNA position 567, G replaced by A.
Molecular consequence: splice donor variant.
Genome position (GRCh38, 1-based): chr11:134,259,085, G>A. VCF-style: chr11-134259085-G-A. GRCh37 (hg19) VCF-style: chr11-134128979-G-A.
Identifiers: ClinVar variation 372296 (VCV000372296.3), dbSNP rs777756488, ClinGen allele CA6372983.
Genomic context (GRCh38, chr11:134,259,085, plus strand): 5'-GCCTCTCTTCTGACCTCCGCTAAGAAACAGGGAGATCATTACATCCTCAATGGCTCCAAG[G>A]TACTAGCGTGCGTCCTCCCAGAGCACTTTGGAGATTGTTCCCAGCTTCCTCCTGACATCC-3'

ClinVar aggregate classification (germline): Likely pathogenic (1 of 4 stars; one submission).

Allele frequency attached by ClinVar (database versions not stated): gnomAD exomes below 0.00001 and 0.00001; ExAC 0.00001.
gnomAD v4.1: 3 of 1,613,960 alleles (0.00019%); highest among the groups gnomAD compares: Non-Finnish European, 0.00025%; no homozygotes.

Submission:

GeneDx
Classification: Likely pathogenic. Last evaluated: 2026-08-19. Review status: criteria provided, single submitter. Criteria: GeneDx Variant Classification Process June 2021. Collection method: clinical testing. Allele origin: germline.
Comment: Canonical splice site variant predicted to result in a null allele in a gene for which loss of function is a known mechanism of disease; Not observed at significant frequency in large population cohorts (gnomAD); Has not been previously published as pathogenic or benign to our knowledge